The following is an entry in ClinVar:

NM_014629.4(ARHGEF10):c.3250G>T (p.Gly1084Cys)

Gene: ARHGEF10 (Rho guanine nucleotide exchange factor 10; plus strand). Cytogenetic location: 8p23.3.
Variant type: single nucleotide variant.
Coding change: c.3250G>T on transcript NM_014629.4 (MANE Select); coding-DNA position 3250, G replaced by T.
Protein change: p.Gly1084Cys; replaces glycine 1084 with cysteine.
Molecular consequence: missense variant.
Genome position (GRCh38, 1-based): chr8:1,945,508, G>T. VCF-style: chr8-1945508-G-T. GRCh37 (hg19) VCF-style: chr8-1893674-G-T.
Other names: c.3136G>T, p.Gly1046Cys (NM_001308152.2, NM_001438094.1); c.3250G>T, p.Gly1084Cys (NM_001308153.3); c.3253G>T, p.Gly1085Cys (NM_001438091.1); c.3133G>T, p.Gly1045Cys (NM_001438092.1, NM_001438093.1); short protein forms G1108C, G1084C, G1046C, G1085C, G1045C.
Identifiers: ClinVar variation 4751043 (VCV004751043.1).

ClinVar aggregate classification (germline): Uncertain significance (1 of 4 stars; one submission).

gnomAD v4.1: 9 of 1,611,070 alleles (0.00056%); highest among the groups gnomAD compares: East Asian, 0.02%; no homozygotes.

Submission:

Labcorp Genetics (formerly Invitae), Labcorp
Classification: Uncertain significance. Last evaluated: 2025-10-20. Review status: criteria provided, single submitter. Criteria: Invitae Variant Classification Sherloc (09022015). Collection method: clinical testing. Allele origin: germline.
Comment: This sequence change replaces glycine, which is neutral and non-polar, with cysteine, which is neutral and slightly polar, at codon 1084 of the ARHGEF10 protein (p.Gly1084Cys). This variant is present in population databases (rs777514485, gnomAD 0.05%). This missense change has been observed in individual(s) with Autism (PMID: 30392784). Invitae Evidence Modeling of protein sequence and biophysical properties (such as structural, functional, and spatial information, amino acid conservation, physicochemical variation, residue mobility, and thermodynamic stability) indicates that this missense variant is not expected to disrupt ARHGEF10 protein function with a negative predictive value of 80%. In summary, the available evidence is currently insufficient to determine the role of this variant in disease. Therefore, it has been classified as a Variant of Uncertain Significance.

Literature cited by the submitters: PubMed 30392784.